The following is an entry in ClinVar:

NC_000023.11:g.(?_31819975)_(31836819_?)del

Gene: DMD (dystrophin; minus strand). Cytogenetic location: Xp21.1.
Variant type: Deletion.
Identifiers: ClinVar variation 417497 (VCV000417497.1).

ClinVar aggregate classification (germline): Pathogenic (1 of 4 stars; one submission).

Conditions:
Duchenne muscular dystrophy (DMD). Also called: MUSCULAR DYSTROPHY, PSEUDOHYPERTROPHIC PROGRESSIVE, DUCHENNE TYPE; Duchenne Muscular Dystrophy (DMD). Identifiers: Orphanet 98896, MedGen C0013264, MONDO:0010679, OMIM 310200.

Submission:

Labcorp Genetics (formerly Invitae), Labcorp
Classification: Pathogenic for Duchenne muscular dystrophy. Last evaluated: 2016-12-08. Review status: criteria provided, single submitter. Criteria: Invitae Variant Classification Sherloc (09022015). Collection method: clinical testing. Allele origin: germline.
Comment: This variant is a gross deletion of the genomic region encompassing exons 49-50 of the DMD gene. This creates a premature translational stop signal and is expected to result in an absent or disrupted protein product. Loss-of-function variants in DMD are known to be pathogenic. This particular variant has been reported in the literature in multiple individuals affected with Duchenne or Becker muscular dystrophy (PMID: 26911353, 22090376, 9544849, 9619643, 22510846, 14977063, 16030524, 15723292). For these reasons, this variant has been classified as Pathogenic.